The following is an entry in ClinVar:

ClinVar aggregate classification (germline): Uncertain significance (0 of 4 stars; one submission).

Conditions:
SEMA3D-related disorder. Also called: SEMA3D-related condition.

Submission:

PreventionGenetics, part of Exact Sciences
Classification: Uncertain significance for SEMA3D-related condition. Last evaluated: 2024-08-23. Review status: no assertion criteria provided. Collection method: clinical testing. Allele origin: germline.
Comment: The SEMA3D c.423_424delTC variant is predicted to result in a frameshift and premature protein termination (p.Ile143Ilefs*16). To our knowledge, this variant has not been reported in the literature. This variant is reported in 0.0016% of alleles in individuals of European (Non-Finnish) descent in gnomAD. At this time, the clinical significance of this variant is uncertain due to the absence of conclusive functional and genetic evidence.

NM_001384900.1(SEMA3D):c.423_424del (p.Tyr144fs)

Gene: SEMA3D (semaphorin 3D; minus strand). Cytogenetic location: 7q21.11.
Variant type: Deletion.
Coding change: c.423_424del on transcript NM_001384900.1 (MANE Select); coding-DNA positions 423 to 424, 2 bases deleted (TC; older notation c.423_424delTC).
Protein change: p.Tyr144fs; shifts the reading frame from tyrosine 144.
Molecular consequence: frameshift variant.
Genome position (GRCh38, 1-based): chr7:85,073,033-85,073,034, GA deleted on the plus strand (TC on the coding strand, the reverse complement: SEMA3D is on the minus strand); deleting any 2 consecutive bases within chr7:85,073,033-85,073,035 gives the same sequence; the c. name uses the placement nearest the transcript's 3' end. VCF-style (leftmost placement, unchanged base first): chr7-85073032-TGA-T. GRCh37 (hg19) VCF-style: chr7-84702348-TGA-T.
Other names: c.423_424del, p.Tyr144fs (NM_001384901.1, NM_001384902.1, NM_001384903.1 and 1 more transcripts); short protein forms Y144fs.
Identifiers: ClinVar variation 3350920 (VCV003350920.1).